The following is an entry in ClinVar:

ClinVar aggregate classification (germline): Uncertain significance. Review status: criteria provided, multiple submitters, no conflicts (2 of 4 stars). 2 submissions from 2 submitters: Uncertain significance (2). Last evaluated 2025-10-07.

Conditions:
Aicardi-Goutieres syndrome 4. Identifiers: Orphanet 51, MedGen C1835912, MONDO:0012472, OMIM 610333.
Inborn genetic diseases. Identifiers: MedGen C0950123, MeSH D030342.

Allele frequency attached by ClinVar (database versions not stated): TOPMed 0.00001; gnomAD exomes 0.00001.
gnomAD v4.1: 13 of 1,569,138 alleles (0.00083%); highest among the groups gnomAD compares: South Asian, 0.012%; no homozygotes.

Submissions (2):

Ambry Genetics
Classification: Uncertain significance for Inborn genetic diseases. Last evaluated: 2025-10-07. Review status: criteria provided, single submitter. Criteria: Ambry Variant Classification Scheme 2023. Collection method: clinical testing. Allele origin: germline.

Labcorp Genetics (formerly Invitae), Labcorp
Classification: Uncertain significance for Aicardi-Goutieres syndrome 4. Last evaluated: 2022-04-09. Review status: criteria provided, single submitter. Criteria: Invitae Variant Classification Sherloc (09022015). Collection method: clinical testing. Allele origin: germline.
Comment: This sequence change replaces proline, which is neutral and non-polar, with alanine, which is neutral and non-polar, at codon 19 of the RNASEH2A protein (p.Pro19Ala). The frequency data for this variant in the population databases is considered unreliable, as metrics indicate poor data quality at this position in the gnomAD database. This variant has not been reported in the literature in individuals affected with RNASEH2A-related conditions. Algorithms developed to predict the effect of missense changes on protein structure and function (SIFT, PolyPhen-2, Align-GVGD) all suggest that this variant is likely to be tolerated. In summary, the available evidence is currently insufficient to determine the role of this variant in disease. Therefore, it has been classified as a Variant of Uncertain Significance.

NM_006397.3(RNASEH2A):c.55C>G (p.Pro19Ala)

Genes: RNASEH2A (ribonuclease H2 subunit A; plus strand), LOC117038795 (CRISPRi-FlowFISH-validated PRDX2 regulatory element 4; plus strand). Cytogenetic location: 19p13.13.
Variant type: single nucleotide variant.
Coding change: c.55C>G on transcript NM_006397.3 (MANE Select); coding-DNA position 55, C replaced by G.
Protein change: p.Pro19Ala; replaces proline 19 with alanine.
Molecular consequence: missense variant.
Genome position (GRCh38, 1-based): chr19:12,806,728, C>G. VCF-style: chr19-12806728-C-G. GRCh37 (hg19) VCF-style: chr19-12917542-C-G.
Other names: c.55C>G (NM_006397.2); short protein forms P19A.
Identifiers: ClinVar variation 1362113 (VCV001362113.4), dbSNP rs1039519462, ClinGen allele CA305492121.